The following is an entry in ClinVar:

NM_182961.4(SYNE1):c.22137C>T (p.Asp7379=)

Gene: SYNE1 (spectrin repeat containing nuclear envelope protein 1; minus strand). Cytogenetic location: 6q25.2.
Variant type: single nucleotide variant.
Coding change: c.22137C>T on transcript NM_182961.4 (MANE Select); coding-DNA position 22137, C replaced by T.
Protein change: p.Asp7379=; no amino-acid change (aspartic acid 7379 retained).
Molecular consequence: synonymous variant.
Genome position (GRCh38, 1-based): chr6:152,218,311, G>A on the plus strand (C>T on the coding strand, the complement: SYNE1 is on the minus strand). VCF-style: chr6-152218311-G-A. GRCh37 (hg19) VCF-style: chr6-152539446-G-A.
Other names: c.22137C>T (NM_182961.2); c.21924C>T, p.Asp7308= (NM_033071.5).
Identifiers: ClinVar variation 284785 (VCV000284785.45), dbSNP rs148556501, ClinGen allele CA4053954.

ClinVar aggregate classification (germline): Benign/Likely benign. Review status: criteria provided, multiple submitters, no conflicts (2 of 4 stars). 7 submissions from 6 submitters: Benign (4); Likely benign (3). Last evaluated 2026-01-14.

Conditions:
Emery-Dreifuss muscular dystrophy 4, autosomal dominant (EDMD4). Also called: EMERY-DREIFUSS MUSCULAR DYSTROPHY 4 WITH VARIABLE FEATURES. Identifiers: Orphanet 261, MedGen C2751807, MONDO:0013071, OMIM 612998.
Autosomal recessive ataxia, Beauce type. Also called: SYNE1 Deficiency; SYNE1-Related Autosomal Recessive Cerebellar Ataxia; ATAXIA, RECESSIVE, OF BEAUCE; Spinocerebellar ataxia, autosomal recessive 8. Identifiers: Orphanet 88644, MedGen C1853116, MONDO:0012549, OMIM 610743.

Allele frequency attached by ClinVar (database versions not stated): gnomAD exomes 0.00034; gnomAD 0.00035; TOPMed 0.00049; 1000 Genomes Project 30x 0.00078; 1000 Genomes Project 0.00100; ESP Exome Variant Server 0.00015.

Submissions (7):

Labcorp Genetics (formerly Invitae), Labcorp
Classification: Benign for Emery-Dreifuss muscular dystrophy 4, autosomal dominant; Autosomal recessive ataxia, Beauce type. Last evaluated: 2026-01-14. Review status: criteria provided, single submitter. Criteria: Invitae Variant Classification Sherloc (09022015). Collection method: clinical testing. Allele origin: germline.

Blueprint Genetics
Classification: Likely benign. Last evaluated: 2024-10-10. Review status: criteria provided, single submitter. Criteria: ACMG Guidelines, 2015. Collection method: clinical testing. Allele origin: germline.

CeGaT Center for Human Genetics Tuebingen
Classification: Likely benign. Last evaluated: 2022-10-01. Review status: criteria provided, single submitter. Criteria: CeGaT Center For Human Genetics Tuebingen Variant Classification Criteria Version 2. Collection method: clinical testing. Allele origin: germline. Affected: yes. Observed: 2 variant alleles.
Comment: SYNE1: BP4

Athena Diagnostics
Classification: Benign. Last evaluated: 2021-03-03. Review status: criteria provided, single submitter. Criteria: Athena Diagnostics criteria. Collection method: clinical testing. Allele origin: unknown.

Illumina Laboratory Services, Illumina
Classification: Likely benign for Autosomal recessive ataxia, Beauce type. Last evaluated: 2018-01-13. Review status: criteria provided, single submitter. Criteria: ICSL Variant Classification Criteria 13 December 2019. Collection method: clinical testing. Allele origin: germline.
Comment: This variant was observed in the ICSL laboratory as part of a predisposition screen in an ostensibly healthy population. It had not been previously curated by ICSL or reported in the Human Gene Mutation Database (HGMD: prior to June 1st, 2018), and was therefore a candidate for classification through an automated scoring system. Utilizing variant allele frequency, disease prevalence and penetrance estimates, and inheritance mode, an automated score was calculated to assess if this variant is too frequent to cause the disease. Based on the score and internal cut-off values, a variant classified as likely benign is not then subjected to further curation. The score for this variant resulted in a classification of likely benign for this disease.

Illumina Laboratory Services, Illumina
Classification: Benign for Emery-Dreifuss muscular dystrophy 4, autosomal dominant. Last evaluated: 2018-01-13. Review status: criteria provided, single submitter. Criteria: ICSL Variant Classification Criteria 13 December 2019. Collection method: clinical testing. Allele origin: germline.
Comment: This variant was observed in the ICSL laboratory as part of a predisposition screen in an ostensibly healthy population. It had not been previously curated by ICSL or reported in the Human Gene Mutation Database (HGMD: prior to June 1st, 2018), and was therefore a candidate for classification through an automated scoring system. Utilizing variant allele frequency, disease prevalence and penetrance estimates, and inheritance mode, an automated score was calculated to assess if this variant is too frequent to cause the disease. Based on the score and internal cut-off values, a variant classified as benign is not then subjected to further curation. The score for this variant resulted in a classification of benign for this disease.

Eurofins Ntd Llc (ga)
Classification: Benign. Last evaluated: 2015-11-11. Review status: criteria provided, single submitter. Criteria: EGL Classification Definitions 2015. Collection method: clinical testing. Allele origin: germline. Observed: 1 variant allele, 1 heterozygote.